The following is an entry in ClinVar:

NM_001182.5(ALDH7A1):c.683T>C (p.Val228Ala)

Gene: ALDH7A1 (aldehyde dehydrogenase 7 family member A1; minus strand). Cytogenetic location: 5q23.2.
Variant type: single nucleotide variant.
Coding change: c.683T>C on transcript NM_001182.5 (MANE Select); coding-DNA position 683, T replaced by C.
Protein change: p.Val228Ala; replaces valine 228 with alanine.
Molecular consequence: missense variant.
Genome position (GRCh38, 1-based): chr5:126,575,432, A>G on the plus strand (T>C on the coding strand, the complement: ALDH7A1 is on the minus strand). VCF-style: chr5-126575432-A-G. GRCh37 (hg19) VCF-style: chr5-125911124-A-G.
Other names: c.599T>C, p.Val200Ala (NM_001201377.2); c.683T>C, p.Val228Ala (NM_001202404.2); short protein forms V200A, V228A.
Identifiers: ClinVar variation 854937 (VCV000854937.7), dbSNP rs1162631387, ClinGen allele CA360730380.

ClinVar aggregate classification (germline): Uncertain significance (1 of 4 stars; one submission).

Conditions:
Pyridoxine-dependent epilepsy (EPEO4). Also called: Pyridoxine-Dependent Epilepsy - ALDH7A1; EPILEPSY, EARLY-ONSET, 4, VITAMIN B6-DEPENDENT; PYRIDOXINE DEPENDENCY WITH SEIZURES; Pyridoxine-Dependent Seizures. Identifiers: Orphanet 3006, MedGen C1849508, MONDO:0009945, OMIM 266100. Disease mechanism: loss of function.

Allele frequency attached by ClinVar (database versions not stated): gnomAD exomes 0.00001 and below 0.00001.
gnomAD v4.1: 6 of 1,613,522 alleles (0.00037%); highest among the groups gnomAD compares: Admixed American, 0.0017%; no homozygotes.

Submission:

Labcorp Genetics (formerly Invitae), Labcorp
Classification: Uncertain significance for Pyridoxine-dependent epilepsy. Last evaluated: 2021-08-24. Review status: criteria provided, single submitter. Criteria: Invitae Variant Classification Sherloc (09022015). Collection method: clinical testing. Allele origin: germline.
Comment: This sequence change replaces valine with alanine at codon 228 of the ALDH7A1 protein (p.Val228Ala). The valine residue is highly conserved and there is a small physicochemical difference between valine and alanine. This variant is not present in population databases (ExAC no frequency). This variant has not been reported in the literature in individuals affected with ALDH7A1-related conditions. Algorithms developed to predict the effect of missense changes on protein structure and function are either unavailable or do not agree on the potential impact of this missense change (SIFT: "Deleterious"; PolyPhen-2: "Possibly Damaging"; Align-GVGD: "Class C0"). In summary, the available evidence is currently insufficient to determine the role of this variant in disease. Therefore, it has been classified as a Variant of Uncertain Significance.